The following is an entry in ClinVar:

ClinVar aggregate classification (germline): Uncertain significance (1 of 4 stars; one submission).

Conditions:
Bardet-Biedl syndrome (BBS). Identifiers: Orphanet 110, MedGen C0752166, MONDO:0015229.

Submission:

Labcorp Genetics (formerly Invitae), Labcorp
Classification: Uncertain significance for Bardet-Biedl syndrome. Last evaluated: 2019-11-19. Review status: criteria provided, single submitter. Criteria: Invitae Variant Classification Sherloc (09022015). Collection method: clinical testing. Allele origin: germline.
Comment: Algorithms developed to predict the effect of missense changes on protein structure and function are either unavailable or do not agree on the potential impact of this missense change (SIFT: "Tolerated"; PolyPhen-2: "Benign"; Align-GVGD: "Class C25"). This variant has not been reported in the literature in individuals with TRIM32-related conditions. This variant is not present in population databases (ExAC no frequency). This sequence change replaces serine with arginine at codon 92 of the TRIM32 protein (p.Ser92Arg). The serine residue is highly conserved and there is a moderate physicochemical difference between serine and arginine. In summary, the available evidence is currently insufficient to determine the role of this variant in disease. Therefore, it has been classified as a Variant of Uncertain Significance.

NM_012210.4(TRIM32):c.276C>A (p.Ser92Arg)

Genes: ASTN2 (astrotactin 2; minus strand), TRIM32 (tripartite motif containing 32; plus strand). Cytogenetic location: 9q33.1.
Variant type: single nucleotide variant.
Coding change: c.276C>A on transcript NM_012210.4 (MANE Select); coding-DNA position 276, C replaced by A.
Protein change: p.Ser92Arg; replaces serine 92 with arginine.
Molecular consequence: missense variant. On other transcripts: intron variant (3).
Genome position (GRCh38, 1-based): chr9:116,698,018, C>A. VCF-style: chr9-116698018-C-A. GRCh37 (hg19) VCF-style: chr9-119460297-C-A.
Other names: c.276C>A, p.Ser92Arg (NM_001099679.2, NM_001379048.1, NM_001379049.1 and 1 more transcripts); c.2653+27753G>T (NM_014010.5); c.2794+27753G>T (NM_001365069.1); c.2806+27753G>T (NM_001365068.1); short protein forms S92R.
Identifiers: ClinVar variation 843480 (VCV000843480.9), dbSNP rs140589523, ClinGen allele CA374647942.
Genomic context (GRCh38, chr9:116,698,018, plus strand): 5'-CTTGACCCAGCTGACAGACAATCTGACAGTGCTAAAGATCATTGATACAGCTGGGCTCAG[C>A]GAGGCTGTGGGGCTGCTCATGTGTCGGTCCTGTGGGCGGCGTCTGCCCCGGCAATTCTGC-3'
Protein context (NP_036342.2, residues 82-102): VLKIIDTAGL[Ser92Arg]EAVGLLMCRS